The following is an entry in ClinVar:

NM_003151.4(STAT4):c.931C>G (p.Leu311Val)

Gene: STAT4 (signal transducer and activator of transcription 4; minus strand). Cytogenetic location: 2q32.2.
Variant type: single nucleotide variant.
Coding change: c.931C>G on transcript NM_003151.4 (MANE Select); coding-DNA position 931, C replaced by G.
Protein change: p.Leu311Val; replaces leucine 311 with valine.
Molecular consequence: missense variant.
Genome position (GRCh38, 1-based): chr2:191,062,772, G>C on the plus strand (C>G on the coding strand, the complement: STAT4 is on the minus strand). VCF-style: chr2-191062772-G-C. GRCh37 (hg19) VCF-style: chr2-191927498-G-C.
Other names: c.931C>G (NM_003151.3); c.931C>G, p.Leu311Val (NM_001243835.2); short protein forms L311V.
Identifiers: ClinVar variation 1945630 (VCV001945630.6), dbSNP rs749227253, ClinGen allele CA2030755.

ClinVar aggregate classification (germline): Uncertain significance. Review status: criteria provided, multiple submitters, no conflicts (2 of 4 stars). 2 submissions from 2 submitters: Uncertain significance (2). Last evaluated 2025-09-27.

gnomAD v4.1: 38 of 1,613,660 alleles (0.0024%); highest among the groups gnomAD compares: Non-Finnish European, 0.0032%; no homozygotes.

Submissions (2):

Ambry Genetics
Classification: Uncertain significance. Last evaluated: 2025-09-27. Review status: criteria provided, single submitter. Criteria: Ambry Variant Classification Scheme 2023. Collection method: clinical testing. Allele origin: germline.

Labcorp Genetics (formerly Invitae), Labcorp
Classification: Uncertain significance. Last evaluated: 2024-11-13. Review status: criteria provided, single submitter. Criteria: Invitae Variant Classification Sherloc (09022015). Collection method: clinical testing. Allele origin: germline.
Comment: This sequence change replaces leucine, which is neutral and non-polar, with valine, which is neutral and non-polar, at codon 311 of the STAT4 protein (p.Leu311Val). This variant is present in population databases (rs749227253, gnomAD 0.003%). This variant has not been reported in the literature in individuals affected with STAT4-related conditions. ClinVar contains an entry for this variant (Variation ID: 1945630). Invitae Evidence Modeling of protein sequence and biophysical properties (such as structural, functional, and spatial information, amino acid conservation, physicochemical variation, residue mobility, and thermodynamic stability) indicates that this missense variant is not expected to disrupt STAT4 protein function with a negative predictive value of 80%. In summary, the available evidence is currently insufficient to determine the role of this variant in disease. Therefore, it has been classified as a Variant of Uncertain Significance.